The following is an entry in ClinVar:

NM_004415.4(DSP):c.3788C>T (p.Ala1263Val)

Gene: DSP (desmoplakin; plus strand). Cytogenetic location: 6p24.3.
Variant type: single nucleotide variant.
Coding change: c.3788C>T on transcript NM_004415.4 (MANE Select); coding-DNA position 3788, C replaced by T.
Protein change: p.Ala1263Val; replaces alanine 1263 with valine.
Molecular consequence: missense variant. On other transcripts: intron variant (1).
Genome position (GRCh38, 1-based): chr6:7,579,978, C>T. VCF-style: chr6-7579978-C-T. GRCh37 (hg19) VCF-style: chr6-7580211-C-T.
Other names: c.3788C>T, p.Ala1263Val (NM_001319034.2); c.3582+206C>T (NM_001008844.3); short protein forms A1263V.
Identifiers: ClinVar variation 2175462 (VCV002175462.4), dbSNP rs1359308406, ClinGen allele CA362684860.

ClinVar aggregate classification (germline): Uncertain significance (1 of 4 stars; one submission).

Conditions:
Arrhythmogenic cardiomyopathy with wooly hair and keratoderma. Also called: Dilated cardiomyopathy with woolly hair and keratoderma; Carvajal syndrome; PALMOPLANTAR KERATODERMA WITH LEFT VENTRICULAR CARDIOMYOPATHY AND WOOLLY HAIR; Arrhythmogenic cardiomyopathy with woolly hair and keratoderma. Identifiers: Orphanet 65282, MedGen C1854063, MONDO:0011581, OMIM 605676.
Arrhythmogenic right ventricular dysplasia 8 (ARVD8). Also called: Arrhythmogenic Right Ventricular Dysplasia/Cardiomyopathy 8; ARRHYTHMOGENIC RIGHT VENTRICULAR DYSPLASIA, FAMILIAL, 8; ARRHYTHMOGENIC RIGHT VENTRICULAR CARDIOMYOPATHY 8. Identifiers: MedGen C1843896, MONDO:0011831, OMIM 607450.

Submission:

Labcorp Genetics (formerly Invitae), Labcorp
Classification: Uncertain significance for Arrhythmogenic cardiomyopathy with wooly hair and keratoderma; Arrhythmogenic right ventricular dysplasia 8. Last evaluated: 2022-04-03. Review status: criteria provided, single submitter. Criteria: Invitae Variant Classification Sherloc (09022015). Collection method: clinical testing. Allele origin: germline.
Comment: This variant has not been reported in the literature in individuals affected with DSP-related conditions. This sequence change replaces alanine, which is neutral and non-polar, with valine, which is neutral and non-polar, at codon 1263 of the DSP protein (p.Ala1263Val). This variant is not present in population databases (gnomAD no frequency). Algorithms developed to predict the effect of missense changes on protein structure and function (SIFT, PolyPhen-2, Align-GVGD) all suggest that this variant is likely to be tolerated. Algorithms developed to predict the effect of sequence changes on RNA splicing suggest that this variant may create or strengthen a splice site. In summary, the available evidence is currently insufficient to determine the role of this variant in disease. Therefore, it has been classified as a Variant of Uncertain Significance.